The following is an entry in ClinVar:

ClinVar aggregate classification (germline): Uncertain significance. Review status: criteria provided, multiple submitters, no conflicts (2 of 4 stars). 2 submissions from 2 submitters: Uncertain significance (2). Last evaluated 2024-12-12.

Conditions:
Lymphatic malformation 9. Identifiers: MedGen C5543365, MONDO:0030270, OMIM 619319.

gnomAD v4.1: 65 of 1,612,814 alleles (0.004%); highest among the groups gnomAD compares: African/African-American, 0.071%; 1 homozygote.

Submissions (2):

Ambry Genetics
Classification: Uncertain significance. Last evaluated: 2024-12-12. Review status: criteria provided, single submitter. Criteria: Ambry Variant Classification Scheme 2023. Collection method: clinical testing. Allele origin: germline.

Clinical Genomics Laboratory, Washington University in St. Louis
Classification: Uncertain significance for Lymphatic malformation 9. Last evaluated: 2024-10-31. Review status: criteria provided, single submitter. Criteria: ACMG Guidelines, 2015. Collection method: clinical testing. Allele origin: germline.
Comment: A CELSR1 c.6010G>A (p.Asp2004Asn) variant was identified at a heterozygous allelic fraction of 50.6%, a frequency which may be consistent with germline origin. This variant, to our knowledge, has not been reported in the medical literature. It is observed on 65/1,612,814 alleles in the general population (gnomAD v.4.1.0). Computational predictors are uncertain as to the impact of this variant on CELSR1 function. Due to limited information, and based on ACMG/AMP guidelines for variant interpretation (Richards S et al., PMID: 25741868), the clinical significance of this variant is uncertain at this time.

NM_001378328.1(CELSR1):c.6010G>A (p.Asp2004Asn)

Gene: CELSR1 (cadherin EGF LAG seven-pass G-type receptor 1; minus strand). Cytogenetic location: 22q13.31.
Variant type: single nucleotide variant.
Coding change: c.6010G>A on transcript NM_001378328.1 (MANE Select); coding-DNA position 6010, G replaced by A.
Protein change: p.Asp2004Asn; replaces aspartic acid 2004 with asparagine.
Molecular consequence: missense variant.
Genome position (GRCh38, 1-based): chr22:46,391,771, C>T on the plus strand (G>A on the coding strand, the complement: CELSR1 is on the minus strand). VCF-style: chr22-46391771-C-T. GRCh37 (hg19) VCF-style: chr22-46787668-C-T.
Other names: c.6010G>A, p.Asp2004Asn (NM_014246.4); c.6010G>A (NM_014246.1); short protein forms D2004N.
Identifiers: ClinVar variation 3600435 (VCV003600435.2).